The following is an entry in ClinVar:

NM_001232.4(CASQ2):c.420+6T>C

Gene: CASQ2 (calsequestrin 2; minus strand). Cytogenetic location: 1p13.1.
Variant type: single nucleotide variant.
Coding change: c.420+6T>C on transcript NM_001232.4 (MANE Select); 6 bases into the intron after coding-DNA position 420, T replaced by C.
Molecular consequence: intron variant.
Genome position (GRCh38, 1-based): chr1:115,740,722, A>G on the plus strand (T>C on the coding strand, the complement: CASQ2 is on the minus strand). VCF-style: chr1-115740722-A-G. GRCh37 (hg19) VCF-style: chr1-116283343-A-G.
Other names: p.?.
Identifiers: ClinVar variation 44163 (VCV000044163.34), dbSNP rs9428083, ClinGen allele CA133703.

ClinVar aggregate classification (germline): Benign. Review status: criteria provided, multiple submitters, no conflicts (2 of 4 stars). 15 submissions from 15 submitters: Benign (12). 3 of the submissions do not count toward it. Last evaluated 2026-02-04.

Conditions:
Catecholaminergic polymorphic ventricular tachycardia 1. Also called: VENTRICULAR TACHYCARDIA, CATECHOLAMINERGIC POLYMORPHIC, 1, WITH OR WITHOUT ATRIAL DYSFUNCTION AND/OR DILATED CARDIOMYOPATHY; VENTRICULAR TACHYCARDIA, STRESS-INDUCED POLYMORPHIC 1; RYR2-Related Catecholaminergic Polymorphic Ventricular Tachycardia. Identifiers: Orphanet 3286, MedGen C1631597, MONDO:0011484, OMIM 604772.
Catecholaminergic polymorphic ventricular tachycardia 2. Also called: VENTRICULAR TACHYCARDIA, STRESS-INDUCED POLYMORPHIC 2; CASQ2-Related Catecholaminergic Polymorphic Ventricular Tachycardia. Identifiers: Orphanet 3286, MedGen C2677794, MONDO:0012762, OMIM 611938.
Catecholaminergic polymorphic ventricular tachycardia (CVPT). Also called: Catecholamine-induced polymorphic ventricular tachycardia. Identifiers: Orphanet 3286, MedGen C5574922, MONDO:0017990.

Allele frequency attached by ClinVar (database versions not stated): 1000 Genomes Project 30x 0.64101; 1000 Genomes Project 0.64357; TOPMed 0.69463; ESP Exome Variant Server 0.70844; gnomAD 0.71176; ExAC 0.78717; gnomAD exomes 0.79576 and 0.84840.
gnomAD v4.1: 1,310,442 of 1,571,264 alleles (83%); highest among the groups gnomAD compares: Non-Finnish European, 88%; 558,295 homozygotes.

Submissions (16):

Labcorp Genetics (formerly Invitae), Labcorp
Classification: Benign for Catecholaminergic polymorphic ventricular tachycardia 1. Last evaluated: 2026-02-04. Review status: criteria provided, single submitter. Criteria: Invitae Variant Classification Sherloc (09022015). Collection method: clinical testing. Allele origin: germline.

Molecular Diagnostic Laboratory for Inherited Cardiovascular Disease, Montreal Heart Institute
Classification: Benign. Last evaluated: 2025-04-09. Review status: criteria provided, single submitter. Criteria: ACMG Guidelines, 2015. Collection method: clinical testing. Allele origin: germline. Affected: no.

Blueprint Genetics
Classification: Benign. Last evaluated: 2024-11-26. Review status: criteria provided, single submitter. Criteria: ACMG Guidelines, 2015. Collection method: clinical testing. Allele origin: germline.

Genome-Nilou Lab
Classification: Benign for Catecholaminergic polymorphic ventricular tachycardia 2. Last evaluated: 2021-07-14. Review status: criteria provided, single submitter. Criteria: ACMG Guidelines, 2015. Collection method: clinical testing. Allele origin: germline. Affected: no.

Illumina Laboratory Services, Illumina
Classification: Benign for Catecholaminergic polymorphic ventricular tachycardia 2. Last evaluated: 2018-01-13. Review status: criteria provided, single submitter. Criteria: ICSL Variant Classification Criteria 13 December 2019. Collection method: clinical testing. Allele origin: germline.
Comment: This variant was observed in the ICSL laboratory as part of a predisposition screen in an ostensibly healthy population. It had not been previously curated by ICSL or reported in the Human Gene Mutation Database (HGMD: prior to June 1st, 2018), and was therefore a candidate for classification through an automated scoring system. Utilizing variant allele frequency, disease prevalence and penetrance estimates, and inheritance mode, an automated score was calculated to assess if this variant is too frequent to cause the disease. Based on the score and internal cut-off values, a variant classified as benign is not then subjected to further curation. The score for this variant resulted in a classification of benign for this disease.

Clinical Genetics DNA and cytogenetics Diagnostics Lab, Erasmus MC, Erasmus Medical Center
Classification: Benign for Catecholaminergic polymorphic ventricular tachycardia 2. Last evaluated: 2015-09-21. Review status: criteria provided, single submitter. Criteria: ACGS Guidelines, 2013. Collection method: clinical testing. Allele origin: germline. Affected: yes. Study: VKGL Data-share Consensus.

GeneDx
Classification: Benign. Last evaluated: 2015-03-03. Review status: criteria provided, single submitter. Criteria: GeneDx Variant Classification Process June 2021. Collection method: clinical testing. Allele origin: germline. Affected: yes.

Genome Diagnostics Laboratory, University Medical Center Utrecht
Classification: Benign for Catecholaminergic polymorphic ventricular tachycardia 2. Last evaluated: 2014-10-09. Review status: criteria provided, single submitter. Criteria: ACGS Guidelines, 2013. Collection method: clinical testing. Allele origin: germline. Affected: yes. Study: VKGL Data-share Consensus.

Mayo Clinic Laboratories, Mayo Clinic
Classification: Benign. Last evaluated: 2014-05-07. Review status: criteria provided, single submitter. Criteria: ACMG Guidelines, 2015. Collection method: clinical testing. Allele origin: germline. Observed: 463 variant alleles.

Laboratory for Molecular Medicine, Mass General Brigham Personalized Medicine
Classification: Benign. Last evaluated: 2011-09-16. Review status: criteria provided, single submitter. Criteria: LMM Criteria. Collection method: clinical testing. Allele origin: germline. Observed: 1,700 variant alleles.

Breakthrough Genomics
Classification: Benign. Review status: criteria provided, single submitter. Criteria: ACMG Guidelines, 2015. Collection method: not provided. Allele origin: germline. Inheritance: Autosomal recessive inheritance. Affected: yes.

PreventionGenetics, part of Exact Sciences
Classification: Benign. Review status: criteria provided, single submitter. Criteria: ACMG Guidelines, 2015. Collection method: clinical testing. Allele origin: germline.

Cohesion Phenomics
Classification: Likely benign for Catecholaminergic polymorphic ventricular tachycardia. Last evaluated: 2022-09-23. Review status: no assertion criteria provided. Criteria: ACMG Guidelines, 2015. Collection method: clinical testing. Allele origin: germline. Affected: yes. Not counted in ClinVar's aggregate classification.

Clinical Genetics, Academic Medical Center
Classification: Benign. Review status: no assertion criteria provided. Collection method: clinical testing. Allele origin: germline. Affected: yes. Study: VKGL Data-share Consensus. Not counted in ClinVar's aggregate classification.

Diagnostic Laboratory, Department of Genetics, University Medical Center Groningen
Classification: Benign for Catecholaminergic polymorphic ventricular tachycardia 2. Review status: no assertion criteria provided. Collection method: clinical testing. Allele origin: germline. Affected: yes. Study: VKGL Data-share Consensus. Not counted in ClinVar's aggregate classification.

Dr. Peter K. Rogan Lab, Western University
No classification provided (evidence only). Condition: Hepatocellular carcinoma. Review status: no classification provided. Collection method: in vitro. Allele origin: not applicable. Functional consequence: retained intron. Not counted in ClinVar's aggregate classification.